The following is an entry in ClinVar:

ClinVar aggregate classification (germline): Uncertain significance. Review status: criteria provided, multiple submitters, no conflicts (2 of 4 stars). 2 submissions from 2 submitters: Uncertain significance (2). Last evaluated 2024-10-21.

Conditions:
Autosomal recessive osteopetrosis 1. Also called: ALBERS-SCHONBERG DISEASE, AUTOSOMAL RECESSIVE; TCIRG1-Related Osteopetrosis; TCIRG1-Related Autosomal Recessive Osteopetrosis. Identifiers: Orphanet 667, MedGen C1850127, MONDO:0009815, OMIM 259700.

Allele frequency attached by ClinVar (database versions not stated): ExAC 0.00002; gnomAD 0.00002 and 0.00003; gnomAD exomes 0.00002; TOPMed 0.00002.
gnomAD v4.1: 36 of 1,613,658 alleles (0.0022%); highest among the groups gnomAD compares: East Asian, 0.0067%; no homozygotes.

Submissions (2):

Labcorp Genetics (formerly Invitae), Labcorp
Classification: Uncertain significance. Last evaluated: 2024-10-21. Review status: criteria provided, single submitter. Criteria: Invitae Variant Classification Sherloc (09022015). Collection method: clinical testing. Allele origin: germline.
Comment: This sequence change replaces alanine, which is neutral and non-polar, with threonine, which is neutral and polar, at codon 432 of the TCIRG1 protein (p.Ala432Thr). This variant is present in population databases (rs772440359, gnomAD 0.01%). This variant has not been reported in the literature in individuals affected with TCIRG1-related conditions. ClinVar contains an entry for this variant (Variation ID: 305803). Invitae Evidence Modeling of protein sequence and biophysical properties (such as structural, functional, and spatial information, amino acid conservation, physicochemical variation, residue mobility, and thermodynamic stability) indicates that this missense variant is not expected to disrupt TCIRG1 protein function with a negative predictive value of 80%. In summary, the available evidence is currently insufficient to determine the role of this variant in disease. Therefore, it has been classified as a Variant of Uncertain Significance.

Illumina Laboratory Services, Illumina
Classification: Uncertain significance for Autosomal recessive osteopetrosis 1. Last evaluated: 2018-01-13. Review status: criteria provided, single submitter. Criteria: ICSL Variant Classification Criteria 13 December 2019. Collection method: clinical testing. Allele origin: germline.

NM_006019.4(TCIRG1):c.1294G>A (p.Ala432Thr)

Gene: TCIRG1 (T cell immune regulator 1, ATPase H+ transporting V0 subunit a3; plus strand). Cytogenetic location: 11q13.2.
Variant type: single nucleotide variant.
Coding change: c.1294G>A on transcript NM_006019.4 (MANE Select); coding-DNA position 1294, G replaced by A.
Protein change: p.Ala432Thr; replaces alanine 432 with threonine.
Molecular consequence: missense variant.
Genome position (GRCh38, 1-based): chr11:68,047,561, G>A. VCF-style: chr11-68047561-G-A. GRCh37 (hg19) VCF-style: chr11-67815028-G-A.
Other names: c.400G>A, p.Ala134Thr (NM_001351059.2); c.646G>A, p.Ala216Thr (NM_006053.4); short protein forms A432T, A216T, A134T.
Identifiers: ClinVar variation 305803 (VCV000305803.8), dbSNP rs772440359, ClinGen allele CA6147048.